The following is an entry in ClinVar:

NM_005562.3(LAMC2):c.1164C>A (p.Tyr388Ter)

Gene: LAMC2 (laminin subunit gamma 2; plus strand). Cytogenetic location: 1q25.3.
Variant type: single nucleotide variant.
Coding change: c.1164C>A on transcript NM_005562.3 (MANE Select); coding-DNA position 1164, C replaced by A.
Protein change: p.Tyr388Ter; replaces tyrosine 388 with a stop codon.
Molecular consequence: nonsense.
Genome position (GRCh38, 1-based): chr1:183,226,795, C>A. VCF-style: chr1-183226795-C-A. GRCh37 (hg19) VCF-style: chr1-183195930-C-A.
Other names: c.1164C>A, p.Tyr388Ter (NM_018891.3); short protein forms Y388*.
Identifiers: ClinVar variation 2029377 (VCV002029377.4), dbSNP rs1659639440, ClinGen allele CA343686270.

ClinVar aggregate classification (germline): Pathogenic (1 of 4 stars; one submission).

gnomAD v4.1: 1 of 1,614,172 alleles (0.000062%); no homozygotes.

Submission:

Labcorp Genetics (formerly Invitae), Labcorp
Classification: Pathogenic. Last evaluated: 2022-09-15. Review status: criteria provided, single submitter. Criteria: Invitae Variant Classification Sherloc (09022015). Collection method: clinical testing. Allele origin: germline.
Comment: For these reasons, this variant has been classified as Pathogenic. This variant has not been reported in the literature in individuals affected with LAMC2-related conditions. This variant is not present in population databases (gnomAD no frequency). This sequence change creates a premature translational stop signal (p.Tyr388*) in the LAMC2 gene. It is expected to result in an absent or disrupted protein product. Loss-of-function variants in LAMC2 are known to be pathogenic (PMID: 11907499, 16473856).

Literature cited by the submitters: PubMed 11907499; PubMed 16473856.